The following is an entry in ClinVar:

NM_001082538.3(TCTN1):c.1773T>G (p.Phe591Leu)

Gene: TCTN1 (tectonic family member 1; plus strand). Cytogenetic location: 12q24.11.
Variant type: single nucleotide variant.
Coding change: c.1773T>G on transcript NM_001082538.3 (MANE Select); coding-DNA position 1773, T replaced by G.
Protein change: p.Phe591Leu; replaces phenylalanine 591 with leucine.
Molecular consequence: missense variant. On other transcripts: non-coding transcript variant (1).
Genome position (GRCh38, 1-based): chr12:110,647,886, T>G. VCF-style: chr12-110647886-T-G. GRCh37 (hg19) VCF-style: chr12-111085691-T-G.
Other names: c.1758T>G, p.Phe586Leu (NM_001082537.3); c.1590T>G, p.Phe530Leu (NM_001173975.3); c.1446T>G, p.Phe482Leu (NM_001173976.2); c.1611T>G, p.Phe537Leu (NM_001319680.2); c.1224T>G, p.Phe408Leu (NM_001319681.2); c.1716T>G, p.Phe572Leu (NM_024549.6); short protein forms F586L, F408L, F537L, F482L, F530L, F572L, F591L.
Identifiers: ClinVar variation 1475066 (VCV001475066.5), dbSNP rs201198236, ClinGen allele CA6786997.

ClinVar aggregate classification (germline): Uncertain significance (1 of 4 stars; one submission).

Conditions:
Meckel-Gruber syndrome. Also called: DYSENCEPHALIA SPLANCHNOCYSTICA; GRUBER SYNDROME; Dysencephalia splachnocystica. Identifiers: Orphanet 564, MedGen C0265215, MONDO:0018921.
Joubert syndrome. Also called: CEREBELLOPARENCHYMAL DISORDER IV; JOUBERT-BOLTSHAUSER SYNDROME; Familial aplasia of the vermis. Identifiers: Orphanet 475, MedGen C5979921, MONDO:0018772.

Allele frequency attached by ClinVar (database versions not stated): gnomAD exomes 0.00001; ExAC 0.00002; TOPMed 0.00002.

Submission:

Labcorp Genetics (formerly Invitae), Labcorp
Classification: Uncertain significance for Joubert syndrome; Meckel-Gruber syndrome. Last evaluated: 2022-03-10. Review status: criteria provided, single submitter. Criteria: Invitae Variant Classification Sherloc (09022015). Collection method: clinical testing. Allele origin: germline.
Comment: This sequence change replaces phenylalanine, which is neutral and non-polar, with leucine, which is neutral and non-polar, at codon 591 of the TCTN1 protein (p.Phe591Leu). This variant is present in population databases (rs201198236, gnomAD 0.002%). This variant has not been reported in the literature in individuals affected with TCTN1-related conditions. Algorithms developed to predict the effect of missense changes on protein structure and function are either unavailable or do not agree on the potential impact of this missense change (SIFT: "Deleterious"; PolyPhen-2: "Probably Damaging"; Align-GVGD: "Class C15"). In summary, the available evidence is currently insufficient to determine the role of this variant in disease. Therefore, it has been classified as a Variant of Uncertain Significance.